The following is an entry in ClinVar:

ClinVar aggregate classification (germline): Likely benign (1 of 4 stars; one submission).

gnomAD v4.1: 44 of 1,514,330 alleles (0.0029%); highest among the groups gnomAD compares: East Asian, 0.035%; no homozygotes.

Submission:

CeGaT Center for Human Genetics Tuebingen
Classification: Likely benign. Last evaluated: 2025-09-01. Review status: criteria provided, single submitter. Criteria: CeGaT Center For Human Genetics Tuebingen Variant Classification Criteria Version 2. Collection method: clinical testing. Allele origin: germline. Affected: yes. Observed: 1 variant allele.
Comment: CNOT1: BP4, BP7

NM_016284.5(CNOT1):c.4434+213C>T

Gene: CNOT1 (CCR4-NOT transcription complex subunit 1; minus strand). Cytogenetic location: 16q21.
Variant type: single nucleotide variant.
Coding change: c.4434+213C>T on transcript NM_016284.5 (MANE Select); 213 bases into the intron after coding-DNA position 4434, C replaced by T.
Molecular consequence: intron variant. On other transcripts: synonymous variant (1).
Genome position (GRCh38, 1-based): chr16:58,543,394, G>A on the plus strand (C>T on the coding strand, the complement: CNOT1 is on the minus strand). VCF-style: chr16-58543394-G-A. GRCh37 (hg19) VCF-style: chr16-58577298-G-A.
Other names: c.4647C>T, p.His1549= (NM_206999.3); c.4419+213C>T (NM_001265612.2).
Identifiers: ClinVar variation 4281547 (VCV004281547.7).
Genomic context (GRCh38, chr16:58,543,394, plus strand): 5'-TTTAAATCTTAATTTATTTAAACCAACAAATATTTGGGTATCTACTATCTGTCAAACATC[G>A]TGTTGAGAATATAACAGAAAAAAAAAAAAACACACAGACATGATGCTTTGCCTCACAGAA-3'